The following is an entry in ClinVar:

NM_000218.3(KCNQ1):c.1076A>C (p.Gln359Pro)

Gene: KCNQ1 (potassium voltage-gated channel subfamily Q member 1; plus strand). Cytogenetic location: 11p15.5.
Variant type: single nucleotide variant.
Coding change: c.1076A>C on transcript NM_000218.3 (MANE Select); coding-DNA position 1076, A replaced by C.
Protein change: p.Gln359Pro; replaces glutamine 359 with proline.
Molecular consequence: missense variant.
Genome position (GRCh38, 1-based): chr11:2,585,255, A>C. VCF-style: chr11-2585255-A-C. GRCh37 (hg19) VCF-style: chr11-2606485-A-C.
Other names: c.806A>C, p.Gln269Pro (NM_001406837.1); c.695A>C, p.Gln232Pro (NM_181798.2); short protein forms Q232P, Q359P, Q269P.
Identifiers: ClinVar variation 427114 (VCV000427114.9), dbSNP rs1085307965, ClinGen allele CA379133762.

ClinVar aggregate classification (germline): Conflicting classifications of pathogenicity. Review status: criteria provided, conflicting classifications (1 of 4 stars). 2 submissions from 2 submitters: Likely pathogenic (1); Uncertain significance (1). Last evaluated 2021-08-05.

Conditions:
Long QT syndrome (LQTS). Identifiers: MedGen C0023976, MeSH D008133, MONDO:0002442. Disease mechanism: loss of function. Inheritance: Various modes of inheritance.

Submissions (2):

Labcorp Genetics (formerly Invitae), Labcorp
Classification: Uncertain significance for Long QT syndrome. Last evaluated: 2021-08-05. Review status: criteria provided, single submitter. Criteria: Invitae Variant Classification Sherloc (09022015). Collection method: clinical testing. Allele origin: germline.
Comment: This sequence change replaces glutamine with proline at codon 359 of the KCNQ1 protein (p.Gln359Pro). The glutamine residue is highly conserved and there is a moderate physicochemical difference between glutamine and proline. This variant is not present in population databases (ExAC no frequency). This variant has not been reported in the literature in individuals affected with KCNQ1-related conditions. ClinVar contains an entry for this variant (Variation ID: 427114). Algorithms developed to predict the effect of missense changes on protein structure and function (SIFT, PolyPhen-2, Align-GVGD) all suggest that this variant is likely to be disruptive. In summary, the available evidence is currently insufficient to determine the role of this variant in disease. Therefore, it has been classified as a Variant of Uncertain Significance.

GeneDx
Classification: Likely pathogenic. Last evaluated: 2015-06-03. Review status: criteria provided, single submitter. Criteria: GeneDx Variant Classification (06012015). Collection method: clinical testing. Allele origin: germline. Affected: yes.
Comment: The Q359P variant has not been published as a pathogenic variant or reported as a benign polymorphism to our knowledge. The Q359P variant was not observed in approximately 6,500 individuals of European and African American ancestry in the NHLBI Exome Sequencing Project, indicating it is not a common benign variant in these populations. The Q359P variant is a non-conservative amino acid substitution, which is likely to impact secondary protein structure as these residues differ in polarity, charge, size and/or other properties, and occurs at a position that is conserved across species. Consequently, in silico analysis predicts this variant is probably damaging to the protein structure/function. Furthermore, missense variant in nearby residues (K354R, Q357R, R360T, R360M) have been reported in the Human Gene Mutation Database in association with LQTS (Stenson P et al., 2014), supporting the functional importance of this region of the protein.